The following is an entry in ClinVar:

ClinVar aggregate classification (germline): Benign/Likely benign. Review status: criteria provided, multiple submitters, no conflicts (2 of 4 stars). 2 submissions from 2 submitters: Benign (1); Likely benign (1). Last evaluated 2026-09-01.

Allele frequency attached by ClinVar (database versions not stated): 1000 Genomes Project 0.00280; ESP Exome Variant Server 0.00345; TOPMed 0.00352; 1000 Genomes Project 30x 0.00359.
gnomAD v4.1: 3,052 of 1,611,590 alleles (0.19%); highest among the groups gnomAD compares: Middle Eastern, 0.63%; 42 homozygotes.

Submissions (2):

CeGaT Center for Human Genetics Tuebingen
Classification: Benign. Last evaluated: 2026-09-01. Review status: criteria provided, single submitter. Criteria: CeGaT Center For Human Genetics Tuebingen Variant Classification Criteria Version 2. Collection method: clinical testing. Allele origin: germline. Affected: yes. Observed: 17 variant alleles.
Comment: WWOX: BS1, BS2

Breakthrough Genomics
Classification: Likely benign. Review status: criteria provided, single submitter. Criteria: ACMG Guidelines, 2015. Collection method: not provided. Allele origin: germline. Inheritance: Autosomal recessive inheritance. Affected: yes.

NM_016373.4(WWOX):c.*44G>T

Genes: MAF (MAF bZIP transcription factor; minus strand), WWOX (WW domain containing oxidoreductase; plus strand). Cytogenetic location: 16q23.2.
Variant type: single nucleotide variant.
Coding change: c.*44G>T on transcript NM_016373.4 (MANE Select); 44 bases downstream of the stop codon, G replaced by T.
Molecular consequence: 3 prime UTR variant.
Genome position (GRCh38, 1-based): chr16:79,211,840, G>T. VCF-style: chr16-79211840-G-T. GRCh37 (hg19) VCF-style: chr16-79245737-G-T.
Other names: c.*44G>T (NM_001291997.2).
Identifiers: ClinVar variation 1013102 (VCV001013102.38), dbSNP rs200566063, ClinGen allele CA8183840.
Genomic context (GRCh38, chr16:79,211,840, plus strand): 5'-GCAGCCAGTCCGGCTAAGTGGAGCTCAGAGCGGATGGGCACACACACCCGCCCTGTGTGT[G>T]TCCCCTCACGCAAGTGCCAGGGCTGGGCCCCTTCCAAATGTCCCTCCAACACAGATCCGC-3'